The following is an entry in ClinVar:

ClinVar aggregate classification (germline): Uncertain significance. Review status: criteria provided, multiple submitters, no conflicts (2 of 4 stars). 2 submissions from 2 submitters: Uncertain significance (2). Last evaluated 2024-07-25.

Conditions:
DROSHA-related disorder. Also called: DROSHA-related condition.

Allele frequency attached by ClinVar (database versions not stated): gnomAD 0.00001; gnomAD exomes 0.00004; TOPMed 0.00005; ExAC 0.00014.
gnomAD v4.1: 24 of 1,613,772 alleles (0.0015%); highest among the groups gnomAD compares: Admixed American, 0.037%; 1 homozygote.

Submissions (2):

Ambry Genetics
Classification: Uncertain significance. Last evaluated: 2024-07-25. Review status: criteria provided, single submitter. Criteria: Ambry Variant Classification Scheme 2023. Collection method: clinical testing. Allele origin: germline.

PreventionGenetics, part of Exact Sciences
Classification: Uncertain significance for DROSHA-related condition. Last evaluated: 2022-09-15. Review status: criteria provided, single submitter. Criteria: ACMG Guidelines, 2015. Collection method: clinical testing. Allele origin: germline.
Comment: The DROSHA c.742G>C variant is predicted to result in the amino acid substitution p.Asp248His. To our knowledge, this variant has not been reported in the literature. This variant is reported in 0.051% of alleles in individuals of Latino descent in gnomAD. At this time, the clinical significance of this variant is uncertain due to the absence of conclusive functional and genetic evidence.

NM_001382508.1(DROSHA):c.742G>C (p.Asp248His)

Gene: DROSHA (drosha ribonuclease III; minus strand). Cytogenetic location: 5p13.3.
Variant type: single nucleotide variant.
Coding change: c.742G>C on transcript NM_001382508.1 (MANE Select); coding-DNA position 742, G replaced by C.
Protein change: p.Asp248His; replaces aspartic acid 248 with histidine.
Molecular consequence: missense variant.
Genome position (GRCh38, 1-based): chr5:31,526,191, C>G on the plus strand (G>C on the coding strand, the complement: DROSHA is on the minus strand). VCF-style: chr5-31526191-C-G. GRCh37 (hg19) VCF-style: chr5-31526298-C-G.
Other names: c.742G>C, p.Asp248His (NM_001100412.2, NM_013235.5); short protein forms D248H.
Identifiers: ClinVar variation 2634124 (VCV002634124.2), dbSNP rs749820255, ClinGen allele CA3217894.
Genomic context (GRCh38, chr5:31,526,191, plus strand): 5'-CAGATCTGTACCGGCTGTCTTGTCTTCTCCTGTCGGGACTGCGGCCTCGCTCCCGCCGAT[C>G]CAGGGACCGATGCCTCTCACCTCGCCCATGACTGTGATCTCGGTGCCTGTGGTCATCATA-3'
Protein context (NP_001369437.1, residues 238-258): HGRGERHRSL[Asp248His]RRERGRSPDR